The following is an entry in ClinVar:

ClinVar aggregate classification (germline): Pathogenic (1 of 4 stars; one submission).

Conditions:
Bardet-Biedl syndrome (BBS). Identifiers: Orphanet 110, MedGen C0752166, MONDO:0015229.

Submission:

Labcorp Genetics (formerly Invitae), Labcorp
Classification: Pathogenic for Bardet-Biedl syndrome. Last evaluated: 2022-02-21. Review status: criteria provided, single submitter. Criteria: Invitae Variant Classification Sherloc (09022015). Collection method: clinical testing. Allele origin: germline.
Comment: This sequence change creates a premature translational stop signal (p.Asp49Metfs*8) in the BBS1 gene. It is expected to result in an absent or disrupted protein product. Loss-of-function variants in BBS1 are known to be pathogenic (PMID: 12118255, 21520335, 27032803). This variant is not present in population databases (gnomAD no frequency). This variant has not been reported in the literature in individuals affected with BBS1-related conditions. For these reasons, this variant has been classified as Pathogenic.

Literature cited by the submitters: PubMed 12118255; PubMed 21520335; PubMed 27032803.

NM_024649.5(BBS1):c.145del (p.Asp49fs)

Gene: BBS1 (Bardet-Biedl syndrome 1; plus strand). Cytogenetic location: 11q13.2.
Variant type: Deletion.
Coding change: c.145del on transcript NM_024649.5 (MANE Select); coding-DNA position 145, one base deleted (G; older notation c.145delG).
Protein change: p.Asp49fs; shifts the reading frame from aspartic acid 49.
Molecular consequence: frameshift variant.
Genome position (GRCh38, 1-based): chr11:66,511,225, G deleted; the last of 4 consecutive G bases (chr11:66,511,222-66,511,225); deleting any one gives the same sequence. VCF-style (leftmost placement, unchanged base first): chr11-66511221-TG-T. GRCh37 (hg19) VCF-style: chr11-66278692-TG-T.
Other names: short protein forms D49fs.
Identifiers: ClinVar variation 1943330 (VCV001943330.5), dbSNP rs1855937296, ClinGen allele CA1979712774.